The following is an entry in ClinVar:

ClinVar aggregate classification (germline): Uncertain significance (1 of 4 stars; one submission).

Conditions:
Perlman syndrome (PRLMNS). Identifiers: Orphanet 2849, MedGen C0796113, MONDO:0009965, OMIM 267000.

gnomAD v4.1: 2 of 1,614,154 alleles (0.00012%); highest among the groups gnomAD compares: Non-Finnish European, 0.00017%; no homozygotes.

Submission:

Labcorp Genetics (formerly Invitae), Labcorp
Classification: Uncertain significance for Perlman syndrome. Last evaluated: 2023-08-31. Review status: criteria provided, single submitter. Criteria: Invitae Variant Classification Sherloc (09022015). Collection method: clinical testing. Allele origin: germline.
Comment: This variant has not been reported in the literature in individuals affected with DIS3L2-related conditions. This variant is not present in population databases (gnomAD no frequency). This sequence change replaces glutamine, which is neutral and polar, with arginine, which is basic and polar, at codon 153 of the DIS3L2 protein (p.Gln153Arg). ClinVar contains an entry for this variant (Variation ID: 1053028). In summary, the available evidence is currently insufficient to determine the role of this variant in disease. Therefore, it has been classified as a Variant of Uncertain Significance. Algorithms developed to predict the effect of missense changes on protein structure and function output the following: SIFT: "Not Available"; PolyPhen-2: "Benign"; Align-GVGD: "Not Available". The arginine amino acid residue is found in multiple mammalian species, which suggests that this missense change does not adversely affect protein function.

NM_152383.5(DIS3L2):c.458A>G (p.Gln153Arg)

Gene: DIS3L2 (DIS3 like 3'-5' exoribonuclease 2; plus strand). Cytogenetic location: 2q37.1.
Variant type: single nucleotide variant.
Coding change: c.458A>G on transcript NM_152383.5 (MANE Select); coding-DNA position 458, A replaced by G.
Protein change: p.Gln153Arg; replaces glutamine 153 with arginine.
Molecular consequence: missense variant. On other transcripts: non-coding transcript variant (2).
Genome position (GRCh38, 1-based): chr2:232,087,578, A>G. VCF-style: chr2-232087578-A-G. GRCh37 (hg19) VCF-style: chr2-232952288-A-G.
Other names: c.458A>G, p.Gln153Arg (NM_001257281.2, NM_001257282.2); short protein forms Q153R.
Identifiers: ClinVar variation 1053028 (VCV001053028.9), dbSNP rs1490327109, ClinGen allele CA351155017.